The following is an entry in ClinVar:

ClinVar aggregate classification (germline): Uncertain significance (1 of 4 stars; one submission).

Submission:

GeneDx
Classification: Uncertain significance. Last evaluated: 2022-09-07. Review status: criteria provided, single submitter. Criteria: GeneDx Variant Classification Process June 2021. Collection method: clinical testing. Allele origin: germline. Affected: yes.
Comment: Frameshift variant predicted to result in protein truncation as the last 117 amino acids are replaced with 20 different amino acids, although loss-of-function variants have not been reported downstream of this position in the protein; Not observed at significant frequency in large population cohorts (gnomAD); Has not been previously published as pathogenic or benign to our knowledge; Variants in candidate genes are classified as variants of uncertain significance in accordance with ACMG guidelines (Richards et al., 2015)

NM_001145073.3(USP27X):c.966_967del (p.Lys322fs)

Gene: USP27X (ubiquitin specific peptidase 27 X-linked; plus strand). Cytogenetic location: Xp11.23.
Variant type: Deletion.
Coding change: c.966_967del on transcript NM_001145073.3 (MANE Select); coding-DNA positions 966 to 967, 2 bases deleted (GA; older notation c.966_967delGA).
Protein change: p.Lys322fs; shifts the reading frame from lysine 322.
Molecular consequence: frameshift variant.
Genome position (GRCh38, 1-based): chrX:49,881,273-49,881,274, GA deleted; deleting any 2 consecutive bases within chrX:49,881,272-49,881,274 gives the same sequence; the c. name uses the placement nearest the transcript's 3' end. VCF-style (leftmost placement, unchanged base first): chrX-49881271-AAG-A. GRCh37 (hg19) VCF-style: chrX-49645874-AAG-A.
Other names: short protein forms K322fs.
Identifiers: ClinVar variation 3342628 (VCV003342628.1).